The following is an entry in ClinVar:

NM_018109.4(MTPAP):c.1478G>T (p.Ser493Ile)

Gene: MTPAP (mitochondrial poly(A) polymerase; minus strand). Cytogenetic location: 10p11.23.
Variant type: single nucleotide variant.
Coding change: c.1478G>T on transcript NM_018109.4 (MANE Select); coding-DNA position 1478, G replaced by T.
Protein change: p.Ser493Ile; replaces serine 493 with isoleucine.
Molecular consequence: missense variant.
Genome position (GRCh38, 1-based): chr10:30,313,880, C>A on the plus strand (G>T on the coding strand, the complement: MTPAP is on the minus strand). VCF-style: chr10-30313880-C-A. GRCh37 (hg19) VCF-style: chr10-30602809-C-A.
Other names: short protein forms S493I.
Identifiers: ClinVar variation 1971133 (VCV001971133.5), dbSNP rs1388559021, ClinGen allele CA376434680.

ClinVar aggregate classification (germline): Uncertain significance (1 of 4 stars; one submission).

Submission:

Labcorp Genetics (formerly Invitae), Labcorp
Classification: Uncertain significance. Last evaluated: 2022-06-08. Review status: criteria provided, single submitter. Criteria: Invitae Variant Classification Sherloc (09022015). Collection method: clinical testing. Allele origin: germline.
Comment: Algorithms developed to predict the effect of missense changes on protein structure and function are either unavailable or do not agree on the potential impact of this missense change (SIFT: "Deleterious"; PolyPhen-2: "Possibly Damaging"; Align-GVGD: "Class C0"). This variant has not been reported in the literature in individuals affected with MTPAP-related conditions. This variant is not present in population databases (gnomAD no frequency). This sequence change replaces serine, which is neutral and polar, with isoleucine, which is neutral and non-polar, at codon 493 of the MTPAP protein (p.Ser493Ile). In summary, the available evidence is currently insufficient to determine the role of this variant in disease. Therefore, it has been classified as a Variant of Uncertain Significance.